The following is an entry in ClinVar:

ClinVar aggregate classification (germline): Uncertain significance (1 of 4 stars; one submission).

Conditions:
Hereditary cancer-predisposing syndrome. Also called: Hereditary Cancer Syndrome; Neoplastic Syndromes, Hereditary; Tumor predisposition; Hereditary neoplastic syndrome. Identifiers: Orphanet 140162, MedGen C0027672, MeSH D009386, MONDO:0015356.

Submission:

Ambry Genetics
Classification: Uncertain significance for Hereditary cancer-predisposing syndrome. Last evaluated: 2022-02-05. Review status: criteria provided, single submitter. Criteria: Ambry Variant Classification Scheme 2023. Collection method: clinical testing. Allele origin: germline.
Comment: The p.T180I variant (also known as c.539C>T), located in coding exon 4 of the SUFU gene, results from a C to T substitution at nucleotide position 539. The threonine at codon 180 is replaced by isoleucine, an amino acid with similar properties. This amino acid position is conserved. In addition, this alteration is predicted to be deleterious by in silico analysis. Since supporting evidence is limited at this time, the clinical significance of this alteration remains unclear.

NM_016169.4(SUFU):c.539C>T (p.Thr180Ile)

Gene: SUFU (SUFU negative regulator of hedgehog signaling; plus strand). Cytogenetic location: 10q24.32.
Variant type: single nucleotide variant.
Coding change: c.539C>T on transcript NM_016169.4 (MANE Select); coding-DNA position 539, C replaced by T.
Protein change: p.Thr180Ile; replaces threonine 180 with isoleucine.
Molecular consequence: missense variant.
Genome position (GRCh38, 1-based): chr10:102,592,666, C>T. VCF-style: chr10-102592666-C-T. GRCh37 (hg19) VCF-style: chr10-104352423-C-T.
Other names: c.539C>T, p.Thr180Ile (NM_001178133.2); short protein forms T180I.
Identifiers: ClinVar variation 1747272 (VCV001747272.2), dbSNP rs2135866997, ClinGen allele CA377908450.
Genomic context (GRCh38, chr10:102,592,666, plus strand): 5'-ATGTGTCCTGGCACAGCCCTTTGGATAACAGTGAGTCAAGAATTCAGCACATGCTGCTGA[C>T]AGAGGACCCACAGATGCAGCCCGTGCAGACACCCTTTGGGGTAGTTACCTTCCTCCAGGT-3'
Protein context (NP_057253.2, residues 170-190): SESRIQHMLL[Thr180Ile]EDPQMQPVQT